The following is an entry in ClinVar:

ClinVar aggregate classification (germline): Uncertain significance (1 of 4 stars; one submission).

Conditions:
Kabuki syndrome. Also called: NIIKAWA-KUROKI SYNDROME; Kabuki make-up syndrome. Identifiers: Orphanet 2322, MedGen C0796004, MONDO:0016512.

Submission:

Labcorp Genetics (formerly Invitae), Labcorp
Classification: Uncertain significance for Kabuki syndrome. Last evaluated: 2024-05-06. Review status: criteria provided, single submitter. Criteria: Invitae Variant Classification Sherloc (09022015). Collection method: clinical testing. Allele origin: germline.
Comment: This sequence change replaces glycine, which is neutral and non-polar, with arginine, which is basic and polar, at codon 4489 of the KMT2D protein (p.Gly4489Arg). This variant is not present in population databases (gnomAD no frequency). This variant has not been reported in the literature in individuals affected with KMT2D-related conditions. Advanced modeling of protein sequence and biophysical properties (such as structural, functional, and spatial information, amino acid conservation, physicochemical variation, residue mobility, and thermodynamic stability) performed at Invitae indicates that this missense variant is not expected to disrupt KMT2D protein function with a negative predictive value of 95%. In summary, the available evidence is currently insufficient to determine the role of this variant in disease. Therefore, it has been classified as a Variant of Uncertain Significance.

NM_003482.4(KMT2D):c.13465G>C (p.Gly4489Arg)

Gene: KMT2D (lysine methyltransferase 2D; minus strand). Cytogenetic location: 12q13.12.
Variant type: single nucleotide variant.
Coding change: c.13465G>C on transcript NM_003482.4 (MANE Select); coding-DNA position 13465, G replaced by C.
Protein change: p.Gly4489Arg; replaces glycine 4489 with arginine.
Molecular consequence: missense variant.
Genome position (GRCh38, 1-based): chr12:49,031,240, C>G on the plus strand (G>C on the coding strand, the complement: KMT2D is on the minus strand). VCF-style: chr12-49031240-C-G. GRCh37 (hg19) VCF-style: chr12-49425023-C-G.
Other names: short protein forms G4489R.
Identifiers: ClinVar variation 3635099 (VCV003635099.2).